The following is an entry in ClinVar:

ClinVar aggregate classification (germline): Likely benign. Review status: criteria provided, multiple submitters, no conflicts (2 of 4 stars). 4 submissions from 4 submitters: Likely benign (4). Last evaluated 2025-09-04.

Conditions:
Hereditary cancer-predisposing syndrome. Also called: Tumor predisposition; Neoplastic Syndromes, Hereditary; Hereditary neoplastic syndrome; Hereditary Cancer Syndrome. Identifiers: Orphanet 140162, MedGen C0027672, MeSH D009386, MONDO:0015356.

Submissions (4):

Quest Diagnostics Nichols Institute San Juan Capistrano
Classification: Likely benign. Last evaluated: 2025-09-04. Review status: criteria provided, single submitter. Criteria: Quest Diagnostics criteria. Collection method: clinical testing. Allele origin: unknown.

Ambry Genetics
Classification: Likely benign for Hereditary cancer-predisposing syndrome. Last evaluated: 2025-06-23. Review status: criteria provided, single submitter. Criteria: Ambry Variant Classification Scheme 2023. Collection method: clinical testing. Allele origin: germline.

GeneDx
Classification: Likely benign. Last evaluated: 2020-04-14. Review status: criteria provided, single submitter. Criteria: GeneDx Variant Classification Process June 2021. Collection method: clinical testing. Allele origin: germline. Affected: yes.

Women's Health and Genetics/Laboratory Corporation of America, LabCorp
Classification: Likely benign. Last evaluated: 2019-08-21. Review status: criteria provided, single submitter. Criteria: LabCorp Variant Classification Summary - May 2015. Collection method: clinical testing. Allele origin: germline.
Comment: Variant summary: BRCA2 c.7803T>C (p.Tyr2601Tyr) alters a non-conserved nucleotide located close to a canonical splice site and therefore could affect mRNA splicing, leading to a significantly altered protein sequence. 5/5 computational tools predict no significant impact on normal splicing. However, these predictions have yet to be confirmed by functional studies. The variant was absent in 251220 control chromosomes. The available data on variant occurrences in the general population are insufficient to allow any conclusion about variant significance. To our knowledge, no occurrence of c.7803T>C in individuals affected with Hereditary Breast and Ovarian Cancer and no experimental evidence demonstrating its impact on protein function have been reported. No clinical diagnostic laboratories have submitted clinical-significance assessments for this variant to ClinVar after 2014. Based on the evidence outlined above, the variant was classified as likely benign.

Literature cited by the submitters: PubMed 39779848 (cited by Quest Diagnostics Nichols Institute San Juan Capistrano); PubMed 39779857 (cited by Quest Diagnostics Nichols Institute San Juan Capistrano).

NM_000059.4(BRCA2):c.7803T>C (p.Tyr2601=)

Gene: BRCA2 (BRCA2 DNA repair associated; plus strand). Cytogenetic location: 13q13.1.
Variant type: single nucleotide variant.
Coding change: c.7803T>C on transcript NM_000059.4 (MANE Select); coding-DNA position 7803, T replaced by C.
Protein change: p.Tyr2601=; no amino-acid change (tyrosine 2601 retained).
Molecular consequence: synonymous variant.
Genome position (GRCh38, 1-based): chr13:32,357,927, T>C. VCF-style: chr13-32357927-T-C. GRCh37 (hg19) VCF-style: chr13-32932064-T-C.
Identifiers: ClinVar variation 632689 (VCV000632689.7), dbSNP rs1566242928, ClinGen allele CA483439324.